The following is an entry in ClinVar:

ClinVar aggregate classification (germline): Uncertain significance. Review status: criteria provided, multiple submitters, no conflicts (2 of 4 stars). 4 submissions from 4 submitters: Uncertain significance (4). Last evaluated 2026-06-01.

Allele frequency attached by ClinVar (database versions not stated): ExAC 0.00002; gnomAD 0.00003; TOPMed 0.00003; gnomAD exomes 0.00006.
gnomAD v4.1: 95 of 1,614,060 alleles (0.0059%); highest among the groups gnomAD compares: Non-Finnish European, 0.0062%; no homozygotes.

Submissions (4):

CeGaT Center for Human Genetics Tuebingen
Classification: Uncertain significance. Last evaluated: 2026-06-01. Review status: criteria provided, single submitter. Criteria: CeGaT Center For Human Genetics Tuebingen Variant Classification Criteria Version 2. Collection method: clinical testing. Allele origin: germline. Affected: yes. Observed: 1 variant allele.
Comment: COQ7: PM2, BP4

GeneDx
Classification: Uncertain significance. Last evaluated: 2025-07-07. Review status: criteria provided, single submitter. Criteria: GeneDx Variant Classification Process June 2021. Collection method: clinical testing. Allele origin: germline. Affected: yes.
Comment: Not observed at significant frequency in large population cohorts (gnomAD); In silico analysis suggests that this missense variant does not alter protein structure/function; Has not been previously published as pathogenic or benign to our knowledge

Ambry Genetics
Classification: Uncertain significance. Last evaluated: 2025-01-16. Review status: criteria provided, single submitter. Criteria: Ambry Variant Classification Scheme 2023. Collection method: clinical testing. Allele origin: germline.

Labcorp Genetics (formerly Invitae), Labcorp
Classification: Uncertain significance. Last evaluated: 2022-07-29. Review status: criteria provided, single submitter. Criteria: Invitae Variant Classification Sherloc (09022015). Collection method: clinical testing. Allele origin: germline.
Comment: This sequence change replaces threonine, which is neutral and polar, with methionine, which is neutral and non-polar, at codon 155 of the COQ7 protein (p.Thr155Met). This variant is present in population databases (rs753589660, gnomAD 0.01%). This variant has not been reported in the literature in individuals affected with COQ7-related conditions. Algorithms developed to predict the effect of missense changes on protein structure and function output the following: SIFT: "Tolerated"; PolyPhen-2: "Benign"; Align-GVGD: "Class C0". The methionine amino acid residue is found in multiple mammalian species, which suggests that this missense change does not adversely affect protein function. In summary, the available evidence is currently insufficient to determine the role of this variant in disease. Therefore, it has been classified as a Variant of Uncertain Significance.

NM_016138.5(COQ7):c.464C>T (p.Thr155Met)

Gene: COQ7 (coenzyme Q7, hydroxylase; plus strand). Cytogenetic location: 16p12.3.
Variant type: single nucleotide variant.
Coding change: c.464C>T on transcript NM_016138.5 (MANE Select); coding-DNA position 464, C replaced by T.
Protein change: p.Thr155Met; replaces threonine 155 with methionine.
Molecular consequence: missense variant. On other transcripts: non-coding transcript variant (3).
Genome position (GRCh38, 1-based): chr16:19,075,817, C>T. VCF-style: chr16-19075817-C-T. GRCh37 (hg19) VCF-style: chr16-19087139-C-T.
Other names: c.350C>T, p.Thr117Met (NM_001370494.1, NM_001370495.1, NM_001190983.2 and 2 more transcripts); c.422C>T, p.Thr141Met (NM_001370489.1, NM_001370491.1); c.464C>T, p.Thr155Met (NM_001370490.1); c.464C>T (NM_016138.4); short protein forms T141M, T155M, T117M.
Identifiers: ClinVar variation 2177395 (VCV002177395.5), dbSNP rs753589660, ClinGen allele CA7933028.